The following is an entry in ClinVar:

NM_006206.6(PDGFRA):c.1361A>G (p.Lys454Arg)

Gene: PDGFRA (platelet derived growth factor receptor alpha; plus strand). Cytogenetic location: 4q12.
Variant type: single nucleotide variant.
Coding change: c.1361A>G on transcript NM_006206.6 (MANE Select); coding-DNA position 1361, A replaced by G.
Protein change: p.Lys454Arg; replaces lysine 454 with arginine.
Molecular consequence: missense variant.
Genome position (GRCh38, 1-based): chr4:54,272,517, A>G. VCF-style: chr4-54272517-A-G. GRCh37 (hg19) VCF-style: chr4-55138684-A-G.
Other names: c.1361A>G, p.Lys454Arg (NM_001347827.2, NM_001347829.2); c.1436A>G, p.Lys479Arg (NM_001347828.2); c.1400A>G, p.Lys467Arg (NM_001347830.2); c.1361A>G (NM_006206.4); short protein forms K454R, K467R, K479R.
Identifiers: ClinVar variation 1057346 (VCV001057346.10), dbSNP rs560971320, ClinGen allele CA96855836.
Genomic context (GRCh38, chr4:54,272,517, plus strand): 5'-GGTGCACAGCTGAAGGCACGCCGCTTCCTGATATTGAGTGGATGATATGCAAAGATATTA[A>G]GAAGTATGGAAAACAGATGTGTCTTCTTCTTTCGTGGTCAGAATATTTCTCCCTTGACAC-3'
Protein context (NP_006197.1, residues 444-464): DIEWMICKDI[Lys454Arg]KCNNETSWTI

ClinVar aggregate classification (germline): Uncertain significance. Review status: criteria provided, multiple submitters, no conflicts (2 of 4 stars). 2 submissions from 2 submitters: Uncertain significance (2). Last evaluated 2024-10-04.

Conditions:
Hereditary cancer-predisposing syndrome. Also called: Tumor predisposition; Neoplastic Syndromes, Hereditary; Hereditary neoplastic syndrome; Hereditary Cancer Syndrome. Identifiers: Orphanet 140162, MedGen C0027672, MeSH D009386, MONDO:0015356.
Gastrointestinal stromal tumor. Also called: Gastrointestinal stromal tumor, somatic; Gastrointestinal stroma tumor. Identifiers: Orphanet 44890, MedGen C0238198, MeSH D046152, MONDO:0011719, OMIM 606764, HP:0100723.

Allele frequency attached by ClinVar (database versions not stated): gnomAD exomes below 0.00001.
gnomAD v4.1: 1 of 1,613,912 alleles (0.000062%); highest among the groups gnomAD compares: Non-Finnish European, 0.000085%; no homozygotes.

Submissions (2):

Ambry Genetics
Classification: Uncertain significance for Hereditary cancer-predisposing syndrome. Last evaluated: 2024-10-04. Review status: criteria provided, single submitter. Criteria: Ambry Variant Classification Scheme 2023. Collection method: clinical testing. Allele origin: germline.
Comment: The p.K454R variant (also known as c.1361A>G), located in coding exon 8 of the PDGFRA gene, results from an A to G substitution at nucleotide position 1361. The lysine at codon 454 is replaced by arginine, an amino acid with highly similar properties. This amino acid position is conserved. In addition, this alteration is predicted to be tolerated by in silico analysis. Based on the available evidence, the clinical significance of this variant remains unclear.

Labcorp Genetics (formerly Invitae), Labcorp
Classification: Uncertain significance for Gastrointestinal stromal tumor. Last evaluated: 2024-04-05. Review status: criteria provided, single submitter. Criteria: Invitae Variant Classification Sherloc (09022015). Collection method: clinical testing. Allele origin: germline.
Comment: This sequence change replaces lysine, which is basic and polar, with arginine, which is basic and polar, at codon 454 of the PDGFRA protein (p.Lys454Arg). This variant is not present in population databases (gnomAD no frequency). This variant has not been reported in the literature in individuals affected with PDGFRA-related conditions. ClinVar contains an entry for this variant (Variation ID: 1057346). Advanced modeling of protein sequence and biophysical properties (such as structural, functional, and spatial information, amino acid conservation, physicochemical variation, residue mobility, and thermodynamic stability) performed at Invitae indicates that this missense variant is not expected to disrupt PDGFRA protein function with a negative predictive value of 80%. Algorithms developed to predict the effect of sequence changes on RNA splicing suggest that this variant may disrupt the consensus splice site. In summary, the available evidence is currently insufficient to determine the role of this variant in disease. Therefore, it has been classified as a Variant of Uncertain Significance.